The following is an entry in ClinVar:

NM_005677.4(COLQ):c.407C>A (p.Pro136His)

Gene: COLQ (collagen like tail subunit of asymmetric acetylcholinesterase; minus strand). Cytogenetic location: 3p25.1.
Variant type: single nucleotide variant.
Coding change: c.407C>A on transcript NM_005677.4 (MANE Select); coding-DNA position 407, C replaced by A.
Protein change: p.Pro136His; replaces proline 136 with histidine.
Molecular consequence: missense variant.
Genome position (GRCh38, 1-based): chr3:15,477,184, G>T on the plus strand (C>A on the coding strand, the complement: COLQ is on the minus strand). VCF-style: chr3-15477184-G-T. GRCh37 (hg19) VCF-style: chr3-15518691-G-T.
Other names: c.377C>A, p.Pro126His (NM_080538.2); c.305C>A, p.Pro102His (NM_080539.4); short protein forms P102H, P126H, P136H.
Identifiers: ClinVar variation 1690554 (VCV001690554.2), dbSNP rs1231911511, ClinGen allele CA351599402.

ClinVar aggregate classification (germline): Uncertain significance (1 of 4 stars; one submission).

Submission:

Laboratorio de Genetica e Diagnostico Molecular, Hospital Israelita Albert Einstein
Classification: Uncertain significance. Last evaluated: 2022-01-17. Review status: criteria provided, single submitter. Criteria: ACMG Guidelines, 2015. Collection method: clinical testing. Allele origin: germline. Affected: yes.
Comment: ACMG classification criteria: PM2, PP3